The following is an entry in ClinVar:

NM_032383.5(HPS3):c.2679_2680insG (p.His894fs)

Genes: CP (ceruloplasmin; minus strand), HPS3 (HPS3 biogenesis of lysosomal organelles complex 2 subunit 1; plus strand). Cytogenetic location: 3q24.
Variant type: Insertion.
Coding change: c.2679_2680insG on transcript NM_032383.5 (MANE Select); coding-DNA positions 2679 to 2680, G inserted.
Protein change: p.His894fs; shifts the reading frame from histidine 894.
Molecular consequence: frameshift variant.
Genome position: GRCh38 VCF-style: chr3-149167123-C-CG. GRCh37 (hg19) VCF-style: chr3-148884910-C-CG.
Other names: c.2184_2185insG, p.His729fs (NM_001308258.2); short protein forms H729fs, H894fs.
Identifiers: ClinVar variation 5015455 (VCV005015455.1).

ClinVar aggregate classification (germline): Pathogenic (1 of 4 stars; one submission).

Conditions:
Hermansky-Pudlak syndrome 3 (HPS3). Identifiers: Orphanet 231512, Orphanet 79430, MedGen C3888001, MONDO:0013555, OMIM 614072.

Submission:

Myriad Genetics, Inc.
Classification: Pathogenic for Hermansky-Pudlak syndrome 3. Last evaluated: 2024-05-14. Review status: criteria provided, single submitter. Criteria: Myriad Autosomal Dominant, Autosomal Recessive and X-Linked Classification Criteria (2023). Collection method: clinical testing. Allele origin: unknown.
Comment: NM_032383.3(HPS3):c.2679_2680insG(H894Afs*12) is expected to be pathogenic in the context of Hermansky-Pudlak syndrome, HPS3-related. This variant is predicted to lead to an abnormal or absent protein product due to the creation of a premature termination codon in HPS3, a gene where loss-of-function variants are known to be pathogenic. Please note: this variant was assessed in the context of healthy population screening.